The following is an entry in ClinVar:

ClinVar aggregate classification (germline): Conflicting classifications of pathogenicity. Review status: criteria provided, conflicting classifications (1 of 4 stars). 3 submissions from 3 submitters: Pathogenic (2); Uncertain significance (1). Last evaluated 2025-04-08.

Conditions:
Hearing impairment. Also called: Impaired Hearing. Identifiers: MedGen C1384666, MONDO:0005365, HP:0000365.

Allele frequency attached by ClinVar (database versions not stated): gnomAD exomes below 0.00001 and 0.00001; gnomAD 0.00001.
gnomAD v4.1: 3 of 1,597,214 alleles (0.00019%); highest among the groups gnomAD compares: Admixed American, 0.005%; no homozygotes.

Submissions (3):

GeneDx
Classification: Uncertain significance. Last evaluated: 2025-04-08. Review status: criteria provided, single submitter. Criteria: GeneDx Variant Classification Process June 2021. Collection method: clinical testing. Allele origin: germline. Affected: yes.
Comment: Reported with a second variant, phase unknown, in an individual with hearing loss in published literature (PMID: 37811145); Nonsense variant predicted to result in protein truncation or nonsense mediated decay in a gene for which loss of function is a known mechanism of disease; This variant is associated with the following publications: (PMID: 37811145)

Labcorp Genetics (formerly Invitae), Labcorp
Classification: Pathogenic. Last evaluated: 2023-09-06. Review status: criteria provided, single submitter. Criteria: Invitae Variant Classification Sherloc (09022015). Collection method: clinical testing. Allele origin: germline.
Comment: For these reasons, this variant has been classified as Pathogenic. Algorithms developed to predict the effect of sequence changes on RNA splicing suggest that this variant may disrupt the consensus splice site. ClinVar contains an entry for this variant (Variation ID: 1172665). This variant has not been reported in the literature in individuals affected with TMC1-related conditions. This variant is present in population databases (no rsID available, gnomAD 0.003%). This sequence change creates a premature translational stop signal (p.Glu118*) in the TMC1 gene. It is expected to result in an absent or disrupted protein product. Loss-of-function variants in TMC1 are known to be pathogenic (PMID: 11850618, 22105175).

Equipe Genetique des Anomalies du Developpement, Université de Bourgogne
Classification: Pathogenic for Hearing impairment. Review status: criteria provided, single submitter. Criteria: ACMG Guidelines, 2015. Collection method: clinical testing. Allele origin: paternal. Affected: yes.

Literature cited by the submitters: PubMed 11850618 (cited by Labcorp Genetics (formerly Invitae), Labcorp); PubMed 22105175 (cited by Labcorp Genetics (formerly Invitae), Labcorp).

NM_138691.3(TMC1):c.352G>T (p.Glu118Ter)

Gene: TMC1 (transmembrane channel like 1; plus strand). Cytogenetic location: 9q21.13.
Variant type: single nucleotide variant.
Coding change: c.352G>T on transcript NM_138691.3 (MANE Select); coding-DNA position 352, G replaced by T.
Protein change: p.Glu118Ter; replaces glutamic acid 118 with a stop codon.
Molecular consequence: nonsense.
Genome position (GRCh38, 1-based): chr9:72,700,633, G>T. VCF-style: chr9-72700633-G-T. GRCh37 (hg19) VCF-style: chr9-75315549-G-T.
Other names: short protein forms E118*.
Identifiers: ClinVar variation 1172665 (VCV001172665.5), dbSNP rs1439351996, ClinGen allele CA373724658.